The following is an entry in ClinVar:

ClinVar aggregate classification (germline): Likely pathogenic (1 of 4 stars; one submission).

Conditions:
Intellectual disability-severe speech delay-mild dysmorphism syndrome (IDDLA). Also called: FOXP1 Syndrome; Mental retardation with language impairment and autistic features; Intellectual developmental disorder with language impairment AND with or without autistic features. Identifiers: Orphanet 391372, MedGen C4013764, MONDO:0013352, OMIM 613670.

Submission:

3billion
Classification: Likely pathogenic for Intellectual disability-severe speech delay-mild dysmorphism syndrome. Last evaluated: 2023-02-23. Review status: criteria provided, single submitter. Criteria: ACMG Guidelines, 2015. Collection method: clinical testing. Allele origin: unknown. Affected: yes.
Comment: The variant is not observed in the gnomAD v2.1.1 dataset. This variant was predicted to result in a loss or disruption of normal protein function through nonsense-mediated decay (NMD) or protein truncation. Multiple pathogenic variants are reported downstream of the variant. Therefore, this variant is classified as Likely pathogenic according to the recommendation of ACMG/AMP guideline.

NM_001349338.3(FOXP1):c.1552dup (p.Ser518fs)

Gene: FOXP1 (forkhead box P1; minus strand). Cytogenetic location: 3p13.
Variant type: Duplication.
Coding change: c.1552dup on transcript NM_001349338.3 (MANE Select); coding-DNA position 1552, one base duplicated (A; older notation c.1552dupA).
Protein change: p.Ser518fs; shifts the reading frame from serine 518.
Molecular consequence: frameshift variant. On other transcripts: non-coding transcript variant (2), intron variant (1).
Genome position (GRCh38, 1-based): chr3:70,972,655, T duplicated on the plus strand (A on the coding strand, the reverse complement: FOXP1 is on the minus strand). VCF-style (leftmost placement, unchanged base first): chr3-70972654-C-CT. GRCh37 (hg19) VCF-style: chr3-71021805-C-CT.
Other names: c.1549dup, p.Ser517fs (NM_001244808.3, NM_001349341.3); c.1324dup, p.Ser442fs (NM_001244812.3); c.1252dup, p.Ser418fs (NM_001244813.3, NM_001244815.2, NM_001349342.3); c.1552dup, p.Ser518fs (NM_001244814.3, NM_001244816.2, NM_001349340.3 and 1 more transcripts); c.1249dup, p.Ser417fs (NM_001349337.2, NM_001349343.3, NM_001349344.3 and 1 more transcripts); c.1552dup, p.Ser518Lysfs (NM_001349339.1); c.1531-475dup (NM_001244810.2); short protein forms S417fs, S418fs, S442fs, S517fs, S518fs.
Identifiers: ClinVar variation 2444280 (VCV002444280.1), dbSNP rs2545050061, ClinGen allele CA2580070422.